The following is an entry in ClinVar:

NM_024422.6(DSC2):c.2588G>A (p.Gly863Glu)

Gene: DSC2 (desmocollin 2; minus strand). Cytogenetic location: 18q12.1.
Variant type: single nucleotide variant.
Coding change: c.2588G>A on transcript NM_024422.6 (MANE Select); coding-DNA position 2588, G replaced by A.
Protein change: p.Gly863Glu; replaces glycine 863 with glutamic acid.
Molecular consequence: missense variant. On other transcripts: 3 prime UTR variant (1).
Genome position (GRCh38, 1-based): chr18:31,068,133, C>T on the plus strand (G>A on the coding strand, the complement: DSC2 is on the minus strand). VCF-style: chr18-31068133-C-T. GRCh37 (hg19) VCF-style: chr18-28648099-C-T.
Other names: c.*90G>A (NM_004949.5); c.2588G>A (NM_024422.3); short protein forms G863E.
Identifiers: ClinVar variation 964045 (VCV000964045.8), dbSNP rs778423904, ClinGen allele CA040535.

ClinVar aggregate classification (germline): Uncertain significance. Review status: criteria provided, multiple submitters, no conflicts (2 of 4 stars). 3 submissions from 3 submitters: Uncertain significance (3). Last evaluated 2025-01-04.

Conditions:
Cardiovascular phenotype. Identifiers: MedGen CN230736.
Familial isolated arrhythmogenic right ventricular dysplasia. Identifiers: Orphanet 217656, MedGen C4274968, MONDO:0016342.
Arrhythmogenic right ventricular dysplasia 11. Also called: Arrhythmogenic Right Ventricular Dysplasia/Cardiomyopathy11; ARRHYTHMOGENIC RIGHT VENTRICULAR DYSPLASIA, FAMILIAL, 11; Arrhythmogenic right ventricular dysplasia 11 with mild palmoplantar keratoderma and woolly hair. Identifiers: MedGen C1864850, MONDO:0012506, OMIM 610476.

Allele frequency attached by ClinVar (database versions not stated): gnomAD exomes 0.00001; ExAC 0.00001.
gnomAD v4.1: 6 of 1,614,080 alleles (0.00037%); highest among the groups gnomAD compares: South Asian, 0.0055%; no homozygotes.

Submissions (3):

Ambry Genetics
Classification: Uncertain significance for Cardiovascular phenotype. Last evaluated: 2025-01-04. Review status: criteria provided, single submitter. Criteria: Ambry Variant Classification Scheme 2023. Collection method: clinical testing. Allele origin: germline.
Comment: The p.G863E variant (also known as c.2588G>A), located in coding exon 16 of the DSC2 gene, results from a G to A substitution at nucleotide position 2588. The glycine at codon 863 is replaced by glutamic acid, an amino acid with similar properties. This amino acid position is conserved. In addition, the in silico prediction for this alteration is inconclusive. Based on the available evidence, the clinical significance of this variant remains unclear.

All of Us Research Program, National Institutes of Health
Classification: Uncertain significance for Familial isolated arrhythmogenic right ventricular dysplasia. Last evaluated: 2023-12-01. Review status: criteria provided, single submitter. Criteria: ACMG Guidelines, 2015. Collection method: clinical testing. Allele origin: germline. Inheritance: Autosomal dominant inheritance. Observed: 2 variant alleles, 2 heterozygotes.
Comment: This study involves interpretation of variants in research participants for the purpose of population health screening. Participant phenotype was not available at the time of variant classification. Additional details can be found in publication PMID: 35346344, PMCID: PMC8962531

Labcorp Genetics (formerly Invitae), Labcorp
Classification: Uncertain significance for Arrhythmogenic right ventricular dysplasia 11. Last evaluated: 2022-05-17. Review status: criteria provided, single submitter. Criteria: Invitae Variant Classification Sherloc (09022015). Collection method: clinical testing. Allele origin: germline.
Comment: This sequence change replaces glycine, which is neutral and non-polar, with glutamic acid, which is acidic and polar, at codon 863 of the DSC2 protein (p.Gly863Glu). This variant is present in population databases (rs778423904, gnomAD 0.006%). This variant has not been reported in the literature in individuals affected with DSC2-related conditions. ClinVar contains an entry for this variant (Variation ID: 964045). Algorithms developed to predict the effect of missense changes on protein structure and function are either unavailable or do not agree on the potential impact of this missense change (SIFT: "Deleterious"; PolyPhen-2: "Probably Damaging"; Align-GVGD: "Class C0"). In summary, the available evidence is currently insufficient to determine the role of this variant in disease. Therefore, it has been classified as a Variant of Uncertain Significance.